The following is an entry in ClinVar:

NM_018670.4(MESP1):c.542AGGGGC[4] (p.Gly186_Arg187insGlnGly)

Genes: MESP1 (mesoderm posterior bHLH transcription factor 1; minus strand), LOC130057888 (ATAC-STARR-seq lymphoblastoid silent region 6803; plus strand). Cytogenetic location: 15q26.1.
Variant type: Microsatellite.
Coding change: c.542AGGGGC[4] on transcript NM_018670.4 (MANE Select); four copies in a row of the 6-base unit AGGGGC starting at c.542; the reference has three copies in a row; one copy, 6 bases duplicated.
Protein change: p.Gly186_Arg187insGlnGly.
Molecular consequence: inframe insertion.
Genome position (GRCh38, 1-based): chr15:89,750,673-89,750,678, GCCCCT duplicated on the plus strand (AGGGGC on the coding strand, the reverse complement: MESP1 is on the minus strand); duplicating any 6 consecutive bases within chr15:89,750,673-89,750,690 gives the same sequence; the position shown is the placement nearest the transcript's 3' end. VCF-style (leftmost placement, unchanged base first): chr15-89750672-C-CGCCCCT. GRCh37 (hg19) VCF-style: chr15-90293903-C-CGCCCCT.
Identifiers: ClinVar variation 3606197 (VCV003606197.2).

ClinVar aggregate classification (germline): Uncertain significance (1 of 4 stars; one submission).

Submission:

Labcorp Genetics (formerly Invitae), Labcorp
Classification: Uncertain significance. Last evaluated: 2024-03-12. Review status: criteria provided, single submitter. Criteria: Invitae Variant Classification Sherloc (09022015). Collection method: clinical testing. Allele origin: germline.
Comment: This variant, c.554_559dup, results in the insertion of 2 amino acid(s) of the MESP1 protein (p.Gln185_Gly186dup), but otherwise preserves the integrity of the reading frame. This variant is not present in population databases (gnomAD no frequency). This variant has not been reported in the literature in individuals affected with MESP1-related conditions. In summary, the available evidence is currently insufficient to determine the role of this variant in disease. Therefore, it has been classified as a Variant of Uncertain Significance.